The following is an entry in ClinVar:

ClinVar aggregate classification (germline): Uncertain significance. Review status: criteria provided, multiple submitters, no conflicts (2 of 4 stars). 4 submissions from 4 submitters: Uncertain significance (4). Last evaluated 2025-01-02.

Conditions:
Hereditary cancer-predisposing syndrome. Also called: Tumor predisposition; Hereditary Cancer Syndrome; Hereditary neoplastic syndrome; Neoplastic Syndromes, Hereditary. Identifiers: Orphanet 140162, MedGen C0027672, MeSH D009386, MONDO:0015356.
Peutz-Jeghers syndrome (PJS). Also called: POLYPOSIS, HAMARTOMATOUS INTESTINAL; POLYPS-AND-SPOTS SYNDROME; Peutz-Jeghers polyposis; Periorificial lentiginosis syndrome. Identifiers: Orphanet 2869, MedGen C0031269, MeSH D010580, MONDO:0008280, OMIM 175200.

Allele frequency attached by ClinVar (database versions not stated): ExAC below 0.00001.

Submissions (4):

Ambry Genetics
Classification: Uncertain significance for Hereditary cancer-predisposing syndrome. Last evaluated: 2025-01-02. Review status: criteria provided, single submitter. Criteria: Ambry Variant Classification Scheme 2023. Collection method: clinical testing. Allele origin: germline.
Comment: The c.921-3C>T intronic variant results from a C to T substitution 3 nucleotides upstream from coding exon 8 in the STK11 gene. This nucleotide position is well conserved in available vertebrate species. In silico splice site analysis predicts that this alteration will not have any significant effect on splicing. Based on the available evidence, the clinical significance of this variant remains unclear.

Color Diagnostics, LLC DBA Color Health
Classification: Uncertain significance for Hereditary cancer-predisposing syndrome. Last evaluated: 2022-07-25. Review status: criteria provided, single submitter. Criteria: ACMG Guidelines, 2015. Collection method: clinical testing. Allele origin: germline.
Comment: This variant causes a C to T nucleotide substitution at the -3 position of intron 7 of the STK11 gene. To our knowledge, RNA studies have not been reported for this variant. This variant has not been reported in individuals affected with hereditary cancer in the literature. This variant has not been identified in the general population by the Genome Aggregation Database (gnomAD). The available evidence is insufficient to determine the role of this variant in disease conclusively. Therefore, this variant is classified as a Variant of Uncertain Significance.

Labcorp Genetics (formerly Invitae), Labcorp
Classification: Uncertain significance for Peutz-Jeghers syndrome. Last evaluated: 2021-08-27. Review status: criteria provided, single submitter. Criteria: Invitae Variant Classification Sherloc (09022015). Collection method: clinical testing. Allele origin: germline.
Comment: This sequence change falls in intron 7 of the STK11 gene. It does not directly change the encoded amino acid sequence of the STK11 protein. It affects a nucleotide within the consensus splice site of the intron. The frequency data for this variant in the population databases is considered unreliable, as metrics indicate poor data quality at this position in the ExAC database. This variant has not been reported in the literature in individuals affected with STK11-related conditions. ClinVar contains an entry for this variant (Variation ID: 185262). Variants that disrupt the consensus splice site are a relatively common cause of aberrant splicing (PMID: 17576681, 9536098). Algorithms developed to predict the effect of sequence changes on RNA splicing suggest that this variant may disrupt the consensus splice site. In summary, the available evidence is currently insufficient to determine the role of this variant in disease. Therefore, it has been classified as a Variant of Uncertain Significance.

Genome-Nilou Lab
Classification: Uncertain significance for Peutz-Jeghers syndrome. Last evaluated: 2021-07-15. Review status: criteria provided, single submitter. Criteria: ACMG Guidelines, 2015. Collection method: clinical testing. Allele origin: germline. Affected: no.

Literature cited by the submitters: PubMed 17576681 (cited by Labcorp Genetics (formerly Invitae), Labcorp); PubMed 9536098 (cited by Labcorp Genetics (formerly Invitae), Labcorp).

NM_000455.5(STK11):c.921-3C>T

Gene: STK11 (serine/threonine kinase 11; plus strand). Cytogenetic location: 19p13.3.
Variant type: single nucleotide variant.
Coding change: c.921-3C>T on transcript NM_000455.5 (MANE Select); 3 bases into the intron before coding-DNA position 921, C replaced by T.
Molecular consequence: intron variant.
Genome position (GRCh38, 1-based): chr19:1,222,982, C>T. VCF-style: chr19-1222982-C-T. GRCh37 (hg19) VCF-style: chr19-1222981-C-T.
Identifiers: ClinVar variation 185262 (VCV000185262.16), dbSNP rs765048057, ClinGen allele CA023363.
Genomic context (GRCh38, chr19:1,222,982, plus strand): 5'-GTCGGAAAACTGGACCGCCCTGGTGCCAGCCTGACAGGCGCCACTGCTTCTGGGCGTTTG[C>T]AGCTGGTTCCGGAAGAAACATCCTCCGGCTGAAGCACCAGTGCCCATCCCACCGAGCCCA-3'